The following is an entry in ClinVar:

ClinVar aggregate classification (germline): Pathogenic (1 of 4 stars; one submission).

Submission:

Labcorp Genetics (formerly Invitae), Labcorp
Classification: Pathogenic. Last evaluated: 2025-11-14. Review status: criteria provided, single submitter. Criteria: Invitae Variant Classification Sherloc (09022015). Collection method: clinical testing. Allele origin: germline.
Comment: This sequence change creates a premature translational stop signal (p.Leu1056Trpfs*2) in the OTOF gene. It is expected to result in an absent or disrupted protein product. Loss-of-function variants in OTOF are known to be pathogenic (PMID: 18381613, 19250381, 22575033). This variant is not present in population databases (gnomAD no frequency). This variant has not been reported in the literature in individuals affected with OTOF-related conditions. Algorithms developed to predict the effect of sequence changes on RNA splicing suggest that this variant may disrupt the consensus splice site. For these reasons, this variant has been classified as Pathogenic.

Literature cited by the submitters: PubMed 18381613; PubMed 19250381; PubMed 22575033.

NM_194248.3(OTOF):c.3166del (p.Leu1056fs)

Gene: OTOF (otoferlin; minus strand). Cytogenetic location: 2p23.3.
Variant type: Deletion.
Coding change: c.3166del on transcript NM_194248.3 (MANE Select); coding-DNA position 3166, one base deleted (C; older notation c.3166delC).
Protein change: p.Leu1056fs; shifts the reading frame from leucine 1056.
Molecular consequence: frameshift variant.
Genome position (GRCh38, 1-based): chr2:26,474,635, G deleted on the plus strand (C on the coding strand, the reverse complement: OTOF is on the minus strand); the first of 4 consecutive G bases (chr2:26,474,635-26,474,638); deleting any one gives the same sequence. VCF-style (leftmost placement, unchanged base first): chr2-26474634-AG-A. GRCh37 (hg19) VCF-style: chr2-26697502-AG-A.
Other names: c.3166del, p.Leu1056fs (NM_001287489.2); c.925del, p.Leu309fs (NM_004802.4, NM_194323.3); c.1096del, p.Leu366fs (NM_194322.3); short protein forms L1056fs, L309fs, L366fs.
Identifiers: ClinVar variation 4773446 (VCV004773446.1).